The following is an entry in ClinVar:

NM_002432.3(MNDA):c.307A>C (p.Lys103Gln)

Gene: MNDA (myeloid cell nuclear differentiation antigen; plus strand). Cytogenetic location: 1q23.1.
Variant type: single nucleotide variant.
Coding change: c.307A>C on transcript NM_002432.3 (MANE Select); coding-DNA position 307, A replaced by C.
Protein change: p.Lys103Gln; replaces lysine 103 with glutamine.
Molecular consequence: missense variant.
Genome position (GRCh38, 1-based): chr1:158,843,320, A>C. VCF-style: chr1-158843320-A-C. GRCh37 (hg19) VCF-style: chr1-158813110-A-C.
Other names: short protein forms K103Q.
Identifiers: ClinVar variation 1727342 (VCV001727342.2), dbSNP rs2526079111, ClinGen allele CA343038586.
Genomic context (GRCh38, chr1:158,843,320, plus strand): 5'-TTTTCTTTTCTTTTGTCAGTTGCTAAGAAAATTAAAACACAAGAAAAAGCTCCAGTGAAA[A>C]AAATAAACCAGGAAGAAGTGGGTCTTGCGGCACCTGCACCCACCGCAAGAAACAAACTGA-3'
Protein context (NP_002423.1, residues 93-113): IKTQEKAPVK[Lys103Gln]INQEEVGLAA

ClinVar aggregate classification (germline): Uncertain significance (1 of 4 stars; one submission).

Submission:

Ambry Genetics
Classification: Uncertain significance. Last evaluated: 2022-10-08. Review status: criteria provided, single submitter. Criteria: Ambry Variant Classification Scheme 2023. Collection method: clinical testing. Allele origin: germline.
Comment: The p.K103Q variant (also known as c.307A>C), located in coding exon 2 of the MNDA gene, results from an A to C substitution at nucleotide position 307. The lysine at codon 103 is replaced by glutamine, an amino acid with similar properties. This amino acid position is conserved. In addition, this alteration is predicted to be tolerated by in silico analysis. Since supporting evidence is limited at this time, the clinical significance of this alteration remains unclear.